The following is an entry in ClinVar:

NM_000161.3(GCH1):c.587C>A (p.Ala196Asp)

Gene: GCH1 (GTP cyclohydrolase 1; minus strand). Cytogenetic location: 14q22.2.
Variant type: single nucleotide variant.
Coding change: c.587C>A on transcript NM_000161.3 (MANE Select); coding-DNA position 587, C replaced by A.
Protein change: p.Ala196Asp; replaces alanine 196 with aspartic acid.
Molecular consequence: missense variant. On other transcripts: intron variant (1).
Genome position (GRCh38, 1-based): chr14:54,845,807, G>T on the plus strand (C>A on the coding strand, the complement: GCH1 is on the minus strand). VCF-style: chr14-54845807-G-T. GRCh37 (hg19) VCF-style: chr14-55312525-G-T.
Other names: c.587C>A, p.Ala196Asp (NM_001024024.2, NM_001024070.2, NM_001024071.2); c.293C>A, p.Ala98Asp (NM_001424105.1); c.510-2753C>A (NM_001424104.1); short protein forms A196D, A98D.
Identifiers: ClinVar variation 4783774 (VCV004783774.1).

ClinVar aggregate classification (germline): Likely pathogenic (1 of 4 stars; one submission).

Conditions:
GTP cyclohydrolase I deficiency. Identifiers: MedGen C0268467, MONDO:0100184.
Dystonia 5 (DRD). Also called: DYT-GCH1; DYSTONIA, PROGRESSIVE, WITH DIURNAL VARIATION; DYSTONIA-PARKINSONISM WITH DIURNAL FLUCTUATION; Dystonia, DOPA-responsive, with or without hyperphenylalaninemia; GTP Cyclohydrolase 1-Deficient Dopa-Responsive Dystonia. Identifiers: Orphanet 98808, MedGen C1851920, MONDO:0007495, OMIM 128230.

Submission:

Labcorp Genetics (formerly Invitae), Labcorp
Classification: Likely pathogenic for GTP cyclohydrolase I deficiency; Dystonia 5. Last evaluated: 2025-11-13. Review status: criteria provided, single submitter. Criteria: Invitae Variant Classification Sherloc (09022015). Collection method: clinical testing. Allele origin: germline.
Comment: This sequence change replaces alanine, which is neutral and non-polar, with aspartic acid, which is acidic and polar, at codon 196 of the GCH1 protein (p.Ala196Asp). This variant is not present in population databases (gnomAD no frequency). This missense change has been observed in individuals with clinical features of primary dystonia (PMID: 17898029, 33875303; internal data). Invitae Evidence Modeling of protein sequence and biophysical properties (such as structural, functional, and spatial information, amino acid conservation, physicochemical variation, residue mobility, and thermodynamic stability) indicates that this missense variant is expected to disrupt GCH1 protein function with a positive predictive value of 80%. This variant disrupts the p.Ala196 amino acid residue in GCH1. Other variant(s) that disrupt this residue have been observed in individuals with GCH1-related conditions (PMID: 10078749), which suggests that this may be a clinically significant amino acid residue. In summary, the currently available evidence indicates that the variant is pathogenic, but additional data are needed to prove that conclusively. Therefore, this variant has been classified as Likely Pathogenic.

Literature cited by the submitters: PubMed 17898029; PubMed 33875303; PubMed 10078749.